The following is an entry in ClinVar:

NM_172362.3(KCNH1):c.2477G>T (p.Gly826Val)

Gene: KCNH1 (potassium voltage-gated channel subfamily H member 1; minus strand). Cytogenetic location: 1q32.2.
Variant type: single nucleotide variant.
Coding change: c.2477G>T on transcript NM_172362.3 (MANE Select); coding-DNA position 2477, G replaced by T.
Protein change: p.Gly826Val; replaces glycine 826 with valine.
Molecular consequence: missense variant.
Genome position (GRCh38, 1-based): chr1:210,683,774, C>A on the plus strand (G>T on the coding strand, the complement: KCNH1 is on the minus strand). VCF-style: chr1-210683774-C-A. GRCh37 (hg19) VCF-style: chr1-210857116-C-A.
Other names: p.Gly826Val; c.2396G>T, p.Gly799Val (NM_002238.4); short protein forms G799V, G826V.
Identifiers: ClinVar variation 1250452 (VCV001250452.13), dbSNP rs115026899, ClinGen allele CA1379652.
Genomic context (GRCh38, chr1:210,683,774, plus strand): 5'-TTCCCGCAAGCATCTTTGAAGCGGGCCCAGCTTTTGCGCTTGGCACAATCGCCCCCGCCC[C>A]CCTTGGGGCCCAGGCACTCGGACCCTGGCGCCTGTAGCTTTGCGTGGTCTGGCACCCCGG-3'
Protein context (NP_758872.1, residues 816-836): APGSECLGPK[Gly826Val]GGGDCAKRKS

ClinVar aggregate classification (germline): Benign. Review status: criteria provided, multiple submitters, no conflicts (2 of 4 stars). 5 submissions from 5 submitters: Benign (5). Last evaluated 2026-02-03.

Conditions:
Zimmermann-Laband syndrome 1 (ZLS1). Identifiers: Orphanet 3473, MedGen C4551773, MONDO:0024526, OMIM 135500.

Allele frequency attached by ClinVar (database versions not stated): 1000 Genomes Project 30x 0.00999; 1000 Genomes Project 0.01038; TOPMed 0.02068; gnomAD 0.02294 and 0.02360; ExAC 0.02430; gnomAD exomes 0.02501 and 0.03233; ESP Exome Variant Server 0.02583.
gnomAD v4.1: 50,473 of 1,613,828 alleles (3.1%); highest among the groups gnomAD compares: Non-Finnish European, 3.6%; 926 homozygotes.

Submissions (5):

Labcorp Genetics (formerly Invitae), Labcorp
Classification: Benign. Last evaluated: 2026-02-03. Review status: criteria provided, single submitter. Criteria: Invitae Variant Classification Sherloc (09022015). Collection method: clinical testing. Allele origin: germline.

Molecular Genetics, Royal Melbourne Hospital
Classification: Benign for Zimmermann-Laband syndrome 1. Last evaluated: 2023-05-04. Review status: criteria provided, single submitter. Criteria: ACMG Guidelines, 2015. Collection method: clinical testing. Allele origin: germline. Affected: yes.
Comment: European Non-Finnish population allele frequency is 3.340% (rs115026899, 4378/128760 alleles, 62 homozygotes in gnomAD v2.1). Based on the classification scheme RMH Modified ACMG/AMP Guidelines v1.4.0, this variant is classified as BENIGN. Following criteria are met: BA1

Mayo Clinic Laboratories, Mayo Clinic
Classification: Benign. Last evaluated: 2022-07-28. Review status: criteria provided, single submitter. Criteria: ACMG Guidelines, 2015. Collection method: clinical testing. Allele origin: germline. Observed: 27 variant alleles.
Comment: BS1, BS2

GeneDx
Classification: Benign. Last evaluated: 2019-08-09. Review status: criteria provided, single submitter. Criteria: GeneDx Variant Classification Process June 2021. Collection method: clinical testing. Allele origin: germline. Affected: yes.

Breakthrough Genomics
Classification: Benign. Review status: criteria provided, single submitter. Criteria: ACMG Guidelines, 2015. Collection method: not provided. Allele origin: germline. Inheritance: Autosomal dominant inheritance. Affected: yes.